The following is an entry in ClinVar:

NM_002506.3(NGF):c.130del (p.Asp45fs)

Genes: NGF (nerve growth factor; minus strand), NGF-AS1 (NGF antisense RNA 1; plus strand). Cytogenetic location: 1p13.2.
Variant type: Deletion.
Coding change: c.130del on transcript NM_002506.3 (MANE Select); coding-DNA position 130, one base deleted (C; older notation c.130delC).
Protein change: p.Asp45fs; shifts the reading frame from aspartic acid 45.
Molecular consequence: frameshift variant.
Genome position (GRCh38, 1-based): chr1:115,286,666, G deleted on the plus strand (C on the coding strand, the reverse complement: NGF is on the minus strand); the first of 3 consecutive G bases (chr1:115,286,666-115,286,668); deleting any one gives the same sequence. VCF-style (leftmost placement, unchanged base first): chr1-115286665-AG-A. GRCh37 (hg19) VCF-style: chr1-115829286-AG-A.
Other names: c.130del, p.Asp45fs (NM_001437545.1); c.128delC, p.Asp45Thrfs (NM_002506.2); short protein forms D45fs.
Identifiers: ClinVar variation 4686532 (VCV004686532.1).

ClinVar aggregate classification (germline): Uncertain significance (1 of 4 stars; one submission).

Submission:

GeneDx
Classification: Uncertain significance. Last evaluated: 2025-07-17. Review status: criteria provided, single submitter. Criteria: GeneDx Variant Classification Process June 2021. Collection method: clinical testing. Allele origin: germline. Affected: yes.
Comment: Not observed at significant frequency in large population cohorts (gnomAD); Frameshift variant predicted to result in protein truncation or nonsense mediated decay in a gene or region of a gene for which loss of function is not a well-established mechanism of disease; Has not been previously published as pathogenic or benign to our knowledge